The following is an entry in ClinVar:

NM_000488.4(SERPINC1):c.761A>G (p.Lys254Arg)

Gene: SERPINC1 (serpin family C member 1; minus strand). Cytogenetic location: 1q25.1.
Variant type: single nucleotide variant.
Coding change: c.761A>G on transcript NM_000488.4 (MANE Select); coding-DNA position 761, A replaced by G.
Protein change: p.Lys254Arg; replaces lysine 254 with arginine.
Molecular consequence: missense variant. On other transcripts: intron variant (1).
Genome position (GRCh38, 1-based): chr1:173,910,755, T>C on the plus strand (A>G on the coding strand, the complement: SERPINC1 is on the minus strand). VCF-style: chr1-173910755-T-C. GRCh37 (hg19) VCF-style: chr1-173879893-T-C.
Other names: c.617A>G, p.Lys206Arg (NM_001365052.2); c.761A>G, p.Lys254Arg (NM_001386302.1, NM_001386305.1); c.842A>G, p.Lys281Arg (NM_001386303.1); c.545A>G, p.Lys182Arg (NM_001386306.1); c.741+20A>G (NM_001386304.1); short protein forms K182R, K206R, K254R, K281R.
Identifiers: ClinVar variation 1704080 (VCV001704080.3), dbSNP rs993457876, ClinGen allele CA32780897.

ClinVar aggregate classification (germline): Uncertain significance (1 of 4 stars; one submission).

Allele frequency attached by ClinVar (database versions not stated): gnomAD 0.00001; gnomAD exomes 0.00001; TOPMed 0.00001.
gnomAD v4.1: 5 of 1,613,884 alleles (0.00031%); highest among the groups gnomAD compares: African/African-American, 0.004%; no homozygotes.

Submission:

GeneDx
Classification: Uncertain significance. Last evaluated: 2024-08-13. Review status: criteria provided, single submitter. Criteria: GeneDx Variant Classification Process June 2021. Collection method: clinical testing. Allele origin: germline. Affected: yes.
Comment: Identified in a patient with reduced AT activity and history of deep vein thrombosis and pulmonary embolism (PMID: 21264449); In silico analysis supports that this missense variant has a deleterious effect on protein structure/function; In silico analysis supports a deleterious effect on splicing; Not observed at significant frequency in large population cohorts (gnomAD); This variant is associated with the following publications: (PMID: 25525159, 23429250, 21264449)